The following is an entry in ClinVar:

NM_003867.4(FGF17):c.174C>A (p.Tyr58Ter)

Gene: FGF17 (fibroblast growth factor 17; plus strand). Cytogenetic location: 8p21.3.
Variant type: single nucleotide variant.
Coding change: c.174C>A on transcript NM_003867.4 (MANE Select); coding-DNA position 174, C replaced by A.
Protein change: p.Tyr58Ter; replaces tyrosine 58 with a stop codon.
Molecular consequence: nonsense.
Genome position (GRCh38, 1-based): chr8:22,046,215, C>A. VCF-style: chr8-22046215-C-A. GRCh37 (hg19) VCF-style: chr8-21903726-C-A.
Other names: c.141C>A, p.Tyr47Ter (NM_001304478.1); short protein forms Y47*, Y58*.
Identifiers: ClinVar variation 4282044 (VCV004282044.1).
Genomic context (GRCh38, chr8:22,046,215, plus strand): 5'-GGACCAGGGCGCCATGACCGACCAGCTGAGCAGGCGGCAGATCCGCGAGTACCAACTCTA[C>A]AGCAGGACCAGTGGCAAGCACGTGCAGGTCACCGGGCGTCGCATCTCCGCCACCGCCGAG-3'

ClinVar aggregate classification (germline): Uncertain significance (1 of 4 stars; one submission).

gnomAD v4.1: 1 of 1,613,992 alleles (0.000062%); highest among the groups gnomAD compares: Non-Finnish European, 0.000085%; no homozygotes.

Submission:

GeneDx
Classification: Uncertain significance. Last evaluated: 2025-04-14. Review status: criteria provided, single submitter. Criteria: GeneDx Variant Classification Process June 2021. Collection method: clinical testing. Allele origin: germline. Affected: yes.
Comment: Not observed at significant frequency in large population cohorts (gnomAD); Has not been previously published as pathogenic or benign to our knowledge; Nonsense variant predicted to result in protein truncation or nonsense mediated decay in a gene for which loss-of-function is not an established mechanism of disease